The following is an entry in ClinVar:

NM_001165963.4(SCN1A):c.441G>A (p.Met147Ile)

Gene: SCN1A (sodium voltage-gated channel alpha subunit 1; minus strand). Cytogenetic location: 2q24.3.
Variant type: single nucleotide variant.
Coding change: c.441G>A on transcript NM_001165963.4 (MANE Select); coding-DNA position 441, G replaced by A.
Protein change: p.Met147Ile; replaces methionine 147 with isoleucine.
Molecular consequence: missense variant. On other transcripts: 5 prime UTR variant (1), non-coding transcript variant (1).
Genome position (GRCh38, 1-based): chr2:166,056,443, C>T on the plus strand (G>A on the coding strand, the complement: SCN1A is on the minus strand). VCF-style: chr2-166056443-C-T. GRCh37 (hg19) VCF-style: chr2-166912953-C-T.
Other names: c.441G>A (NM_001165963.1); c.441G>A, p.Met147Ile (NM_001165964.3, NM_001202435.3, NM_001353948.2 and 10 more transcripts); c.-1985G>A (NM_001353961.2); short protein forms M147I.
Identifiers: ClinVar variation 2733055 (VCV002733055.5), dbSNP rs2468258427, ClinGen allele CA349075948.
Genomic context (GRCh38, chr2:166,056,443, plus strand): 5'-TGTTATTAAAAATATAAGTTGAACTTACTCTACATTCTTTGTCCAATCAGGAGGGTTACT[C>T]ATTGTCATAAACACACAGTTTGTCAAAATAGTGCACATAATTAGCATGCTGAATAATGTA-3'
Protein context (NP_001159435.1, residues 137-157): TILTNCVFMT[Met147Ile]SNPPDWTKNV

ClinVar aggregate classification (germline): Uncertain significance. Review status: criteria provided, multiple submitters, no conflicts (2 of 4 stars). 3 submissions from 3 submitters: Uncertain significance (3). Last evaluated 2025-03-08.

Conditions:
Early-infantile DEE. Also called: Early infantile epileptic encephalopathy with suppression bursts; Ohtahara syndrome; Early infantile epileptic encephalopathy. Identifiers: Orphanet 1934, MedGen C0393706, MONDO:0800491.
Inborn genetic diseases. Identifiers: MedGen C0950123, MeSH D030342.

Allele frequency attached by ClinVar (database versions not stated): gnomAD exomes below 0.00001.

Submissions (3):

Ambry Genetics
Classification: Uncertain significance for Inborn genetic diseases. Last evaluated: 2025-03-08. Review status: criteria provided, single submitter. Criteria: Ambry Variant Classification Scheme 2023. Collection method: clinical testing. Allele origin: germline.

Labcorp Genetics (formerly Invitae), Labcorp
Classification: Uncertain significance for Early-infantile DEE. Last evaluated: 2023-10-16. Review status: criteria provided, single submitter. Criteria: Invitae Variant Classification Sherloc (09022015). Collection method: clinical testing. Allele origin: germline.
Comment: This sequence change replaces methionine, which is neutral and non-polar, with isoleucine, which is neutral and non-polar, at codon 147 of the SCN1A protein (p.Met147Ile). This variant is not present in population databases (gnomAD no frequency). This variant has not been reported in the literature in individuals affected with SCN1A-related conditions. Advanced modeling of protein sequence and biophysical properties (such as structural, functional, and spatial information, amino acid conservation, physicochemical variation, residue mobility, and thermodynamic stability) performed at Invitae indicates that this missense variant is not expected to disrupt SCN1A protein function. In summary, the available evidence is currently insufficient to determine the role of this variant in disease. Therefore, it has been classified as a Variant of Uncertain Significance.

Blueprint Genetics
Classification: Uncertain significance. Last evaluated: 2023-01-27. Review status: criteria provided, single submitter. Criteria: ACMG Guidelines, 2015. Collection method: clinical testing. Allele origin: germline.